The following is an entry in ClinVar:

NM_001035.3(RYR2):c.6603T>G (p.Cys2201Trp)

Gene: RYR2 (ryanodine receptor 2; plus strand). Cytogenetic location: 1q43.
Variant type: single nucleotide variant.
Coding change: c.6603T>G on transcript NM_001035.3 (MANE Select); coding-DNA position 6603, T replaced by G.
Protein change: p.Cys2201Trp; replaces cysteine 2201 with tryptophan.
Molecular consequence: missense variant.
Genome position (GRCh38, 1-based): chr1:237,633,625, T>G. VCF-style: chr1-237633625-T-G. GRCh37 (hg19) VCF-style: chr1-237796925-T-G.
Other names: short protein forms C2201W.
Identifiers: ClinVar variation 1367942 (VCV001367942.9), dbSNP rs2148700795, ClinGen allele CA345394057.

ClinVar aggregate classification (germline): Uncertain significance (1 of 4 stars; one submission).

Conditions:
Catecholaminergic polymorphic ventricular tachycardia 1. Also called: VENTRICULAR TACHYCARDIA, STRESS-INDUCED POLYMORPHIC 1; VENTRICULAR TACHYCARDIA, CATECHOLAMINERGIC POLYMORPHIC, 1, WITH OR WITHOUT ATRIAL DYSFUNCTION AND/OR DILATED CARDIOMYOPATHY; RYR2-Related Catecholaminergic Polymorphic Ventricular Tachycardia. Identifiers: Orphanet 3286, MedGen C1631597, MONDO:0011484, OMIM 604772.

Submission:

Labcorp Genetics (formerly Invitae), Labcorp
Classification: Uncertain significance for Catecholaminergic polymorphic ventricular tachycardia 1. Last evaluated: 2020-12-04. Review status: criteria provided, single submitter. Criteria: Invitae Variant Classification Sherloc (09022015). Collection method: clinical testing. Allele origin: germline.
Comment: This variant is not present in population databases (ExAC no frequency). This variant has not been reported in the literature in individuals with RYR2-related conditions. This sequence change replaces cysteine with tryptophan at codon 2201 of the RYR2 protein (p.Cys2201Trp). The cysteine residue is highly conserved and there is a large physicochemical difference between cysteine and tryptophan. In summary, the available evidence is currently insufficient to determine the role of this variant in disease. Therefore, it has been classified as a Variant of Uncertain Significance. Algorithms developed to predict the effect of sequence changes on RNA splicing suggest that this variant may create or strengthen a splice site, but this prediction has not been confirmed by published transcriptional studies. Advanced modeling of protein sequence and biophysical properties (such as structural, functional, and spatial information, amino acid conservation, physicochemical variation, residue mobility, and thermodynamic stability) performed at Invitae indicates that this missense variant is expected to disrupt RYR2 protein function.